The following is an entry in ClinVar:

ClinVar aggregate classification (germline): Uncertain significance (1 of 4 stars; one submission).

gnomAD v4.1: 5 of 1,613,948 alleles (0.00031%); highest among the groups gnomAD compares: South Asian, 0.0055%; no homozygotes.

Submission:

Labcorp Genetics (formerly Invitae), Labcorp
Classification: Uncertain significance. Last evaluated: 2023-12-24. Review status: criteria provided, single submitter. Criteria: Invitae Variant Classification Sherloc (09022015). Collection method: clinical testing. Allele origin: germline.
Comment: This sequence change replaces threonine, which is neutral and polar, with lysine, which is basic and polar, at codon 48 of the UMOD protein (p.Thr48Lys). This variant is present in population databases (rs772008530, gnomAD 0.003%). This variant has not been reported in the literature in individuals affected with UMOD-related conditions. ClinVar contains an entry for this variant (Variation ID: 2104354). Advanced modeling of protein sequence and biophysical properties (such as structural, functional, and spatial information, amino acid conservation, physicochemical variation, residue mobility, and thermodynamic stability) performed at Invitae indicates that this missense variant is not expected to disrupt UMOD protein function with a negative predictive value of 95%. In summary, the available evidence is currently insufficient to determine the role of this variant in disease. Therefore, it has been classified as a Variant of Uncertain Significance.

NM_003361.4(UMOD):c.143C>A (p.Thr48Lys)

Gene: UMOD (uromodulin; minus strand). Cytogenetic location: 16p12.3.
Variant type: single nucleotide variant.
Coding change: c.143C>A on transcript NM_003361.4 (MANE Select); coding-DNA position 143, C replaced by A.
Protein change: p.Thr48Lys; replaces threonine 48 with lysine.
Molecular consequence: missense variant. On other transcripts: non-coding transcript variant (1).
Genome position (GRCh38, 1-based): chr16:20,349,158, G>T on the plus strand (C>A on the coding strand, the complement: UMOD is on the minus strand). VCF-style: chr16-20349158-G-T. GRCh37 (hg19) VCF-style: chr16-20360480-G-T.
Other names: c.143C>A, p.Thr48Lys (NM_001008389.3, NM_001378232.1, NM_001378233.1 and 3 more transcripts); c.242C>A, p.Thr81Lys (NM_001278614.2); short protein forms T48K, T81K.
Identifiers: ClinVar variation 2104354 (VCV002104354.4), dbSNP rs772008530, ClinGen allele CA7939488.
Genomic context (GRCh38, chr16:20,349,158, plus strand): 5'-TCATCCAGGTCCACGCAGGTCAGGCCATCGCCGGTGAAGCCCTCCTGACAGGTGCACGTC[G>T]TAACGGCCTCATCCTCCGTGCAGGTGGCATTGCTGTGACATTCAGAGCACCATCCTGTGG-3'
Protein context (NP_003352.2, residues 38-58): NATCTEDEAV[Thr48Lys]TCTCQEGFTG